The following is an entry in ClinVar:

NM_024537.4(CARS2):c.1623+1G>C

Gene: CARS2 (cysteinyl-tRNA synthetase 2, mitochondrial; minus strand). Cytogenetic location: 13q34.
Variant type: single nucleotide variant.
Coding change: c.1623+1G>C on transcript NM_024537.4 (MANE Select); the canonical splice donor site of the intron after coding-DNA position 1623, G replaced by C.
Molecular consequence: splice donor variant.
Genome position (GRCh38, 1-based): chr13:110,642,314, C>G on the plus strand (G>C on the coding strand, the complement: CARS2 is on the minus strand). VCF-style: chr13-110642314-C-G. GRCh37 (hg19) VCF-style: chr13-111294661-C-G.
Other names: c.837+1G>C (NM_001352252.2).
Identifiers: ClinVar variation 1010149 (VCV001010149.6), dbSNP rs1053982606, ClinGen allele CA256322404.

ClinVar aggregate classification (germline): Uncertain significance (1 of 4 stars; one submission).

Conditions:
Combined oxidative phosphorylation defect type 27. Also called: Combined oxidative phosphorylation deficiency 27. Identifiers: Orphanet 477774, MedGen C5567608, MONDO:0014728, OMIM 616672.

Allele frequency attached by ClinVar (database versions not stated): TOPMed 0.00002; gnomAD 0.00003; gnomAD exomes 0.00003 and 0.00004.

Submission:

Labcorp Genetics (formerly Invitae), Labcorp
Classification: Uncertain significance for Combined oxidative phosphorylation defect type 27. Last evaluated: 2021-07-14. Review status: criteria provided, single submitter. Criteria: Invitae Variant Classification Sherloc (09022015). Collection method: clinical testing. Allele origin: germline.
Comment: This sequence change affects a donor splice site in intron 14 of the CARS2 gene. It is expected to disrupt RNA splicing. Variants that disrupt the donor or acceptor splice site typically lead to a loss of protein function (PMID: 16199547), however the current clinical and genetic evidence is not sufficient to establish whether loss-of-function variants in CARS2 cause disease. This variant is not present in population databases (ExAC no frequency). This variant has not been reported in the literature in individuals affected with CARS2-related conditions. Algorithms developed to predict the effect of sequence changes on RNA splicing suggest that this variant may disrupt the consensus splice site. In summary, the available evidence is currently insufficient to determine the role of this variant in disease. Therefore, it has been classified as a Variant of Uncertain Significance.

Literature cited by the submitters: PubMed 16199547.